The following is an entry in ClinVar:

NM_016222.4(DDX41):c.751C>G (p.Pro251Ala)

Gene: DDX41 (DEAD-box helicase 41; minus strand). Cytogenetic location: 5q35.3.
Variant type: single nucleotide variant.
Coding change: c.751C>G on transcript NM_016222.4 (MANE Select); coding-DNA position 751, C replaced by G.
Protein change: p.Pro251Ala; replaces proline 251 with alanine.
Molecular consequence: missense variant.
Genome position (GRCh38, 1-based): chr5:177,514,963, G>C on the plus strand (C>G on the coding strand, the complement: DDX41 is on the minus strand). VCF-style: chr5-177514963-G-C. GRCh37 (hg19) VCF-style: chr5-176941964-G-C.
Other names: c.373C>G, p.Pro125Ala (NM_001321732.2, NM_001321830.2); c.751C>G (NM_016222.2); short protein forms P125A, P251A.
Identifiers: ClinVar variation 3241295 (VCV003241295.2), dbSNP rs747842313.

ClinVar aggregate classification (germline): Uncertain significance. Review status: criteria provided, multiple submitters, no conflicts (2 of 4 stars). 2 submissions from 2 submitters: Uncertain significance (2). Last evaluated 2024-12-13.

Conditions:
DDX41-related hematologic malignancy predisposition syndrome. Also called: DDX41-Associated Familial Myelodysplastic Syndrome and Acute Myeloid Leukemia; Myeloproliferative/lymphoproliferative neoplasms, familial (multiple types), susceptibility to. Identifiers: Orphanet 488647, MedGen C4225174, MONDO:0014809, OMIM 616871.
Inborn genetic diseases. Identifiers: MedGen C0950123, MeSH D030342.

gnomAD v4.1: 2 of 1,613,390 alleles (0.00012%); highest among the groups gnomAD compares: Non-Finnish European, 0.00017%; no homozygotes.

Submissions (2):

Ambry Genetics
Classification: Uncertain significance for Inborn genetic diseases. Last evaluated: 2024-12-13. Review status: criteria provided, single submitter. Criteria: Ambry Variant Classification Scheme 2023. Collection method: clinical testing. Allele origin: germline.
Comment: The p.P251A variant (also known as c.751C>G), located in coding exon 8 of the DDX41 gene, results from a C to G substitution at nucleotide position 751. The proline at codon 251 is replaced by alanine, an amino acid with highly similar properties. This amino acid position is highly conserved in available vertebrate species. In addition, this alteration is predicted to be tolerated by in silico analysis. Based on the available evidence, the clinical significance of this variant remains unclear.

Baylor Genetics
Classification: Uncertain significance for DDX41-related hematologic malignancy predisposition syndrome. Last evaluated: 2024-02-29. Review status: criteria provided, single submitter. Criteria: ACMG Guidelines, 2015. Collection method: clinical testing. Allele origin: unknown.